The following is an entry in ClinVar:

ClinVar aggregate classification (germline): Conflicting classifications of pathogenicity. Review status: criteria provided, conflicting classifications (1 of 4 stars). 6 submissions from 6 submitters: Uncertain significance (2); Likely benign (3). 1 of the submissions does not count toward it. Last evaluated 2026-07-08.

Conditions:
Connective tissue disorder. Also called: Connective tissue disease. Identifiers: MedGen C0009782, MONDO:0003900.
Familial thoracic aortic aneurysm and aortic dissection (TAAD). Also called: Thoracic aortic aneurysms and dissections. Identifiers: Orphanet 91387, MedGen C4707243, MONDO:0019625.
Aortic valve disease 1 (AOVD1). Identifiers: MedGen C3887892, MONDO:0024523, OMIM 109730.
Adams-Oliver syndrome 5 (AOS5). Identifiers: Orphanet 974, MedGen C4014970, MONDO:0014459, OMIM 616028.

Allele frequency attached by ClinVar (database versions not stated): TOPMed 0.00022; gnomAD exomes 0.00015 and 0.00017; ExAC 0.00021; ESP Exome Variant Server 0.00023; gnomAD 0.00020.
gnomAD v4.1: 274 of 1,609,616 alleles (0.017%); highest among the groups gnomAD compares: African/African-American, 0.049%; 2 homozygotes.

Submissions (6):

GeneDx
Classification: Uncertain significance. Last evaluated: 2026-07-08. Review status: criteria provided, single submitter. Criteria: GeneDx Variant Classification Process June 2021. Collection method: clinical testing. Allele origin: germline.
Comment: Identified in a patient with bicuspid aortic valve (BAV) in published literature (PMID: 16729972); In silico analysis suggests that this missense variant does not alter protein structure/function; This variant is associated with the following publications: (PMID: 17662764, 16729972)

Women's Health and Genetics/Laboratory Corporation of America, LabCorp
Classification: Likely benign. Last evaluated: 2026-05-12. Review status: criteria provided, single submitter. Criteria: LabCorp Variant Classification Summary - May 2015. Collection method: clinical testing. Allele origin: germline.
Comment: Variant summary: NOTCH1 c.1787C>T (p.Thr596Met) results in a non-conservative amino acid change located in the EGF-like domain (IPR000742) of the encoded protein sequence. Algorithms developed to predict the effect of missense changes on protein structure and function all suggest that this variant is likely to be disruptive. The variant allele was found at a frequency of 0.00015 in 240946 control chromosomes in the gnomAD database, including 2 homozygotes. The observed variant frequency exceeds the estimated maximal expected allele frequency for disease-causing variants in NOTCH1. c.1787C>T has been observed in individuals affected with Aortic Valve Disease without strong evidence of causality (example: Marek Debiec_2022, Mohamed_2006). These reports do not provide unequivocal conclusions about association of the variant with Aortic Valve Disease. To our knowledge, no experimental evidence demonstrating an impact on protein function has been reported. The following publications have been ascertained in the context of this evaluation (PMID: 35288444, 16729972). ClinVar contains an entry for this variant (Variation ID: 264528). Based on the evidence outlined above, the variant was classified as likely benign.

Labcorp Genetics (formerly Invitae), Labcorp
Classification: Likely benign for Adams-Oliver syndrome 5. Last evaluated: 2025-12-19. Review status: criteria provided, single submitter. Criteria: Invitae Variant Classification Sherloc (09022015). Collection method: clinical testing. Allele origin: germline.

Ambry Genetics
Classification: Uncertain significance for Familial thoracic aortic aneurysm and aortic dissection. Last evaluated: 2025-07-09. Review status: criteria provided, single submitter. Criteria: Ambry Variant Classification Scheme 2023. Collection method: clinical testing. Allele origin: germline.
Comment: The p.T596M variant (also known as c.1787C>T), located in coding exon 11 of the NOTCH1 gene, results from a C to T substitution at nucleotide position 1787. The threonine at codon 596 is replaced by methionine, an amino acid with similar properties. This variant (also referred to as c.1963 C>T) was reported in a patient with bicuspid aortic valve (Mohamed SA et al, Biochem. Biophys. Res. Commun. 2006 Jul; 345(4):1460-5). This amino acid position is highly conserved in available vertebrate species. In addition, the in silico prediction for this alteration is inconclusive. Since supporting evidence is limited at this time, the clinical significance of this alteration remains unclear.

Center for Human Genetics, Inc
Classification: Likely benign for Connective tissue disorder. Last evaluated: 2016-11-01. Review status: criteria provided, single submitter. Criteria: ACMG Guidelines, 2015. Collection method: clinical testing. Allele origin: germline. Affected: yes.

OMIM
Classification: Pathogenic for AORTIC VALVE DISEASE 1. Last evaluated: 2006-07-14. Review status: no assertion criteria provided. Collection method: literature only. Allele origin: germline. Not counted in ClinVar's aggregate classification.

Literature cited by the submitters: PubMed 35288444 (cited by Women's Health and Genetics/Laboratory Corporation of America, LabCorp); PubMed 16729972 (cited by 3 submitters); PubMed 33914609 (cited by Ambry Genetics).

NM_017617.5(NOTCH1):c.1787C>T (p.Thr596Met)

Gene: NOTCH1 (notch receptor 1; minus strand). Cytogenetic location: 9q34.3.
Variant type: single nucleotide variant.
Coding change: c.1787C>T on transcript NM_017617.5 (MANE Select); coding-DNA position 1787, C replaced by T.
Protein change: p.Thr596Met; replaces threonine 596 with methionine.
Molecular consequence: missense variant.
Genome position (GRCh38, 1-based): chr9:136,515,599, G>A on the plus strand (C>T on the coding strand, the complement: NOTCH1 is on the minus strand). VCF-style: chr9-136515599-G-A. GRCh37 (hg19) VCF-style: chr9-139410051-G-A.
Other names: c.1787C>T, p.Thr596Met (LRG_1122t1); short protein forms T596M.
Identifiers: ClinVar variation 264528 (VCV000264528.23), dbSNP rs61755997, ClinGen allele CA5341627.